The following is an entry in ClinVar:

NM_018136.5(ASPM):c.4250_4251del (p.Arg1416_Tyr1417insTer)

Gene: ASPM (assembly factor for spindle microtubules; minus strand). Cytogenetic location: 1q31.3.
Variant type: Microsatellite.
Coding change: c.4250_4251del on transcript NM_018136.5 (MANE Select); coding-DNA positions 4250 to 4251, 2 bases deleted (AT; older notation c.4250_4251delAT).
Protein change: p.Arg1416_Tyr1417insTer.
Molecular consequence: nonsense. On other transcripts: intron variant (1).
Genome position (GRCh38, 1-based): chr1:197,105,000-197,105,001, AT deleted on the plus strand (AT on the coding strand, the reverse complement: ASPM is on the minus strand); deleting any 2 consecutive bases within chr1:197,105,000-197,105,003 gives the same sequence; the c. name uses the placement nearest the transcript's 3' end. VCF-style (leftmost placement, unchanged base first): chr1-197104999-CAT-C. GRCh37 (hg19) VCF-style: chr1-197074129-CAT-C.
Other names: c.4066-8837_4066-8836del (NM_001206846.2); c.4250_4251delAT (NM_018136.5).
Identifiers: ClinVar variation 694009 (VCV000694009.3), dbSNP rs1571602991, ClinGen allele CA915941940.

ClinVar aggregate classification (germline): Pathogenic. Review status: criteria provided, multiple submitters, no conflicts (2 of 4 stars). 2 submissions from 2 submitters: Pathogenic (2). Last evaluated 2025-06-26.

Conditions:
Microcephaly 5, primary, autosomal recessive (MCPH5). Also called: ASPM Primary Microcephaly. Identifiers: Orphanet 2512, MedGen C1837501, MONDO:0012106, OMIM 608716.

Submissions (2):

First Genomix Gene Laboratory, Genetic Diagnostics Department
Classification: Pathogenic for Microcephaly 5, primary, autosomal recessive. Last evaluated: 2025-06-26. Review status: criteria provided, single submitter. Criteria: ACMG Guidelines, 2015. Collection method: clinical testing. Allele origin: germline. Inheritance: Autosomal recessive inheritance. Affected: no. Observed: 1 variant allele.

Child Neurology Department, Hôpital Universitaire de Bruxelles
Classification: Pathogenic for Microcephaly 5, primary, autosomal recessive. Review status: criteria provided, single submitter. Criteria: ACMG Guidelines, 2015. Collection method: clinical testing. Allele origin: paternal. Affected: yes.

Literature cited by the submitters: PubMed 29243349 (cited by Child Neurology Department, Hôpital Universitaire de Bruxelles).